The following is an entry in ClinVar:

ClinVar aggregate classification (germline): Conflicting classifications of pathogenicity. Review status: criteria provided, conflicting classifications (1 of 4 stars). 3 submissions from 3 submitters: Uncertain significance (1); Likely benign (2). Last evaluated 2024-05-16.

Conditions:
Malignant hyperthermia, susceptibility to, 1 (MHS1). Also called: Anesthesia related hyperthermia; Malignant hyperpyrexia; Fulminating hyperpyrexia; Pharmacogenic myopathy; RYR1-Related Malignant Hyperthermia Susceptibility; Malignant hyperthermia suceptibility 1. Identifiers: Orphanet 423, MedGen C2930980, MONDO:0007783, OMIM 145600.
RYR1-related disorder. Also called: RYR1-related disorders; RYR1-related condition. Identifiers: MedGen CN239331.

Allele frequency attached by ClinVar (database versions not stated): gnomAD exomes below 0.00001; ExAC 0.00001; gnomAD 0.00001; TOPMed 0.00002; ESP Exome Variant Server 0.00008.
gnomAD v4.1: 7 of 1,592,932 alleles (0.00044%); highest among the groups gnomAD compares: Non-Finnish European, 0.00052%; no homozygotes.

Submissions (3):

Color Diagnostics, LLC DBA Color Health
Classification: Likely benign for Malignant hyperthermia, susceptibility to, 1. Last evaluated: 2024-05-16. Review status: criteria provided, single submitter. Criteria: ACMG Guidelines, 2015. Collection method: clinical testing. Allele origin: germline.

Labcorp Genetics (formerly Invitae), Labcorp
Classification: Likely benign for RYR1-related disorder. Last evaluated: 2023-08-24. Review status: criteria provided, single submitter. Criteria: Invitae Variant Classification Sherloc (09022015). Collection method: clinical testing. Allele origin: germline.

All of Us Research Program, National Institutes of Health
Classification: Uncertain significance for Malignant hyperthermia, susceptibility to, 1. Last evaluated: 2023-06-08. Review status: criteria provided, single submitter. Criteria: ACMG Guidelines, 2015. Collection method: clinical testing. Allele origin: germline. Inheritance: Autosomal dominant inheritance. Observed: 1 variant allele, 1 heterozygote.
Comment: This variant is located in the RYR1 protein. To our knowledge, functional studies have not been reported for this variant. This variant has not been reported in individuals affected with RYR1-related disorders in the literature. This variant has been identified in 1/251294 chromosomes in the general population by the Genome Aggregation Database (gnomAD). The available evidence is insufficient to determine the role of this variant in disease conclusively. Therefore, this variant is classified as a Variant of Uncertain Significance.

This study involves interpretation of variants in research participants for the purpose of population health screening. Participant phenotype was not available at the time of variant classification. Additional details can be found in publication PMID: 35346344, PMCID: PMC8962531

NM_000540.3(RYR1):c.1788C>T (p.His596=)

Gene: RYR1 (ryanodine receptor 1; plus strand). Cytogenetic location: 19q13.2.
Variant type: single nucleotide variant.
Coding change: c.1788C>T on transcript NM_000540.3 (MANE Select); coding-DNA position 1788, C replaced by T.
Protein change: p.His596=; no amino-acid change (histidine 596 retained).
Molecular consequence: synonymous variant.
Genome position (GRCh38, 1-based): chr19:38,455,748, C>T. VCF-style: chr19-38455748-C-T. GRCh37 (hg19) VCF-style: chr19-38946388-C-T.
Other names: c.1788C>T, p.His596= (NM_001042723.2).
Identifiers: ClinVar variation 2885738 (VCV002885738.5), dbSNP rs369299704, ClinGen allele CA062388.